The following is an entry in ClinVar:

ClinVar aggregate classification (germline): Uncertain significance (1 of 4 stars; one submission).

gnomAD v4.1: 4 of 1,614,042 alleles (0.00025%); highest among the groups gnomAD compares: Non-Finnish European, 0.00034%; no homozygotes.

Submission:

Women's Health and Genetics/Laboratory Corporation of America, LabCorp
Classification: Uncertain significance. Last evaluated: 2022-11-21. Review status: criteria provided, single submitter. Criteria: LabCorp Variant Classification Summary - May 2015. Collection method: clinical testing. Allele origin: germline.
Comment: Variant summary: REST c.613A>C (p.Thr205Pro) results in a non-conservative amino acid change located in the Zinc finger C2H2-type domain (IPR013087) of the encoded protein sequence. Four of five in-silico tools predict a benign effect of the variant on protein function. The variant was absent in 251442 control chromosomes. The available data on variant occurrences in the general population are insufficient to allow any conclusion about variant significance. To our knowledge, no occurrence of c.613A>C in individuals affected with REST-Related Disorders and no experimental evidence demonstrating its impact on protein function have been reported. No clinical diagnostic laboratories have submitted clinical-significance assessments for this variant to ClinVar after 2014. Based on the evidence outlined above, the variant was classified as uncertain significance.

NM_005612.5(REST):c.613A>C (p.Thr205Pro)

Gene: REST (RE1 silencing transcription factor; plus strand). Cytogenetic location: 4q12.
Variant type: single nucleotide variant.
Coding change: c.613A>C on transcript NM_005612.5 (MANE Select); coding-DNA position 613, A replaced by C.
Protein change: p.Thr205Pro; replaces threonine 205 with proline.
Molecular consequence: missense variant.
Genome position (GRCh38, 1-based): chr4:56,911,251, A>C. VCF-style: chr4-56911251-A-C. GRCh37 (hg19) VCF-style: chr4-57777417-A-C.
Other names: c.613A>C, p.Thr205Pro (NM_001193508.2, NM_001363453.3); short protein forms T205P.
Identifiers: ClinVar variation 1804773 (VCV001804773.1), dbSNP rs981639576, ClinGen allele CA357004423.